The following is an entry in ClinVar:

NM_002547.3(OPHN1):c.2024C>T (p.Ser675Phe)

Gene: OPHN1 (oligophrenin 1; minus strand). Cytogenetic location: Xq12.
Variant type: single nucleotide variant.
Coding change: c.2024C>T on transcript NM_002547.3 (MANE Select); coding-DNA position 2024, C replaced by T.
Protein change: p.Ser675Phe; replaces serine 675 with phenylalanine.
Molecular consequence: missense variant.
Genome position (GRCh38, 1-based): chrX:68,063,988, G>A on the plus strand (C>T on the coding strand, the complement: OPHN1 is on the minus strand). VCF-style: chrX-68063988-G-A. GRCh37 (hg19) VCF-style: chrX-67283830-G-A.
Other names: short protein forms S675F.
Identifiers: ClinVar variation 1784626 (VCV001784626.2), dbSNP rs1023161053, ClinGen allele CA330807964.

ClinVar aggregate classification (germline): Uncertain significance (1 of 4 stars; one submission).

Conditions:
Inborn genetic diseases. Identifiers: MedGen C0950123, MeSH D030342.

Allele frequency attached by ClinVar (database versions not stated): gnomAD 0.00003; TOPMed 0.00005; gnomAD exomes 0.00007.
gnomAD v4.1: 72 of 1,207,590 alleles (0.006%); highest among the groups gnomAD compares: Non-Finnish European, 0.0078%; no homozygotes.

Submission:

Ambry Genetics
Classification: Uncertain significance for Inborn genetic diseases. Last evaluated: 2019-03-11. Review status: criteria provided, single submitter. Criteria: Ambry Variant Classification Scheme 2023. Collection method: clinical testing. Allele origin: germline.
Comment: The p.S675F variant (also known as c.2024C>T), located in coding exon 20 of the OPHN1 gene, results from a C to T substitution at nucleotide position 2024. The serine at codon 675 is replaced by phenylalanine, an amino acid with highly dissimilar properties. This amino acid position is not well conserved in available vertebrate species, and phenylalanine is the reference amino acid in other vertebrate species. In addition, this alteration is predicted to be tolerated by in silico analysis. Since supporting evidence is limited at this time, the clinical significance of this alteration remains unclear.